The following is an entry in ClinVar:

NM_000111.3(SLC26A3):c.1027T>C (p.Cys343Arg)

Gene: SLC26A3 (solute carrier family 26 member 3; minus strand). Cytogenetic location: 7q22.3.
Variant type: single nucleotide variant.
Coding change: c.1027T>C on transcript NM_000111.3 (MANE Select); coding-DNA position 1027, T replaced by C.
Protein change: p.Cys343Arg; replaces cysteine 343 with arginine.
Molecular consequence: missense variant.
Genome position (GRCh38, 1-based): chr7:107,783,297, A>G on the plus strand (T>C on the coding strand, the complement: SLC26A3 is on the minus strand). VCF-style: chr7-107783297-A-G. GRCh37 (hg19) VCF-style: chr7-107423742-A-G.
Other names: short protein forms C343R.
Identifiers: ClinVar variation 1716914 (VCV001716914.5), dbSNP rs2535463478, ClinGen allele CA368852168.

ClinVar aggregate classification (germline): Uncertain significance (1 of 4 stars; one submission).

Submission:

Labcorp Genetics (formerly Invitae), Labcorp
Classification: Uncertain significance. Last evaluated: 2024-10-29. Review status: criteria provided, single submitter. Criteria: Invitae Variant Classification Sherloc (09022015). Collection method: clinical testing. Allele origin: germline.
Comment: This sequence change replaces cysteine, which is neutral and slightly polar, with arginine, which is basic and polar, at codon 343 of the SLC26A3 protein (p.Cys343Arg). This variant is not present in population databases (gnomAD no frequency). This variant has not been reported in the literature in individuals affected with SLC26A3-related conditions. ClinVar contains an entry for this variant (Variation ID: 1716914). Invitae Evidence Modeling of protein sequence and biophysical properties (such as structural, functional, and spatial information, amino acid conservation, physicochemical variation, residue mobility, and thermodynamic stability) indicates that this missense variant is not expected to disrupt SLC26A3 protein function with a negative predictive value of 80%. In summary, the available evidence is currently insufficient to determine the role of this variant in disease. Therefore, it has been classified as a Variant of Uncertain Significance.